The following is an entry in ClinVar:

ClinVar aggregate classification (germline): Uncertain significance (1 of 4 stars; one submission).

Conditions:
Acute myeloid leukemia (AML). Also called: Acute myeloid leukemia, adult; AML adult; Acute non-lymphocytic leukemia; Acute granulocytic leukemia; Leukemia, acute myeloid, somatic; Leukemia, acute myelogenous, somatic. Identifiers: Orphanet 519, MedGen C0023467, MeSH D015470, MONDO:0018874, OMIM 601626, HP:0004808. Disease mechanism: Constitutively activated FLT3.

Allele frequency attached by ClinVar (database versions not stated): gnomAD exomes below 0.00001.

Submission:

Labcorp Genetics (formerly Invitae), Labcorp
Classification: Uncertain significance for Acute myeloid leukemia. Last evaluated: 2023-09-04. Review status: criteria provided, single submitter. Criteria: Invitae Variant Classification Sherloc (09022015). Collection method: clinical testing. Allele origin: germline.
Comment: This variant is not present in population databases (gnomAD no frequency). This variant has not been reported in the literature in individuals affected with CEBPA-related conditions. This sequence change replaces alanine, which is neutral and non-polar, with serine, which is neutral and polar, at codon 66 of the CEBPA protein (p.Ala66Ser). Advanced modeling of protein sequence and biophysical properties (such as structural, functional, and spatial information, amino acid conservation, physicochemical variation, residue mobility, and thermodynamic stability) performed at Invitae indicates that this missense variant is not expected to disrupt CEBPA protein function. In summary, the available evidence is currently insufficient to determine the role of this variant in disease. Therefore, it has been classified as a Variant of Uncertain Significance.

NM_004364.5(CEBPA):c.196G>T (p.Ala66Ser)

Gene: CEBPA (CCAAT enhancer binding protein alpha; minus strand). Cytogenetic location: 19q13.11.
Variant type: single nucleotide variant.
Coding change: c.196G>T on transcript NM_004364.5 (MANE Select); coding-DNA position 196, G replaced by T.
Protein change: p.Ala66Ser; replaces alanine 66 with serine.
Molecular consequence: missense variant. On other transcripts: 5 prime UTR variant (1).
Genome position (GRCh38, 1-based): chr19:33,302,219, C>A on the plus strand (G>T on the coding strand, the complement: CEBPA is on the minus strand). VCF-style: chr19-33302219-C-A. GRCh37 (hg19) VCF-style: chr19-33793125-C-A.
Other names: c.-162G>T (NM_001285829.2); c.301G>T, p.Ala101Ser (NM_001287424.2); c.154G>T, p.Ala52Ser (NM_001287435.2); short protein forms A101S, A52S, A66S.
Identifiers: ClinVar variation 2757799 (VCV002757799.3), dbSNP rs1967194734, ClinGen allele CA405275472.